The following is an entry in ClinVar:

NM_144997.7(FLCN):c.457A>G (p.Ser153Gly)

Gene: FLCN (folliculin; minus strand). Cytogenetic location: 17p11.2.
Variant type: single nucleotide variant.
Coding change: c.457A>G on transcript NM_144997.7 (MANE Select); coding-DNA position 457, A replaced by G.
Protein change: p.Ser153Gly; replaces serine 153 with glycine.
Molecular consequence: missense variant.
Genome position (GRCh38, 1-based): chr17:17,224,083, T>C on the plus strand (A>G on the coding strand, the complement: FLCN is on the minus strand). VCF-style: chr17-17224083-T-C. GRCh37 (hg19) VCF-style: chr17-17127397-T-C.
Other names: c.457A>G (NM_144997.5); c.511A>G, p.Ser171Gly (NM_001353229.2); c.457A>G, p.Ser153Gly (NM_001353230.2, NM_001353231.2, NM_144606.7); short protein forms S153G, S171G.
Identifiers: ClinVar variation 1345989 (VCV001345989.16), dbSNP rs1479341645, ClinGen allele CA398534520.

ClinVar aggregate classification (germline): Uncertain significance. Review status: criteria provided, multiple submitters, no conflicts (2 of 4 stars). 4 submissions from 4 submitters: Uncertain significance (4). Last evaluated 2025-10-13.

Conditions:
Birt-Hogg-Dube syndrome. Also called: Birt Hogg Dubé syndrome. Identifiers: Orphanet 122, MedGen C0346010, MONDO:0800444.
Hereditary cancer-predisposing syndrome. Also called: Hereditary Cancer Syndrome; Neoplastic Syndromes, Hereditary; Tumor predisposition; Hereditary neoplastic syndrome. Identifiers: Orphanet 140162, MedGen C0027672, MeSH D009386, MONDO:0015356.

Allele frequency attached by ClinVar (database versions not stated): gnomAD exomes below 0.00001; gnomAD 0.00001; TOPMed 0.00001.
gnomAD v4.1: 3 of 1,613,022 alleles (0.00019%); highest among the groups gnomAD compares: Admixed American, 0.0017%; no homozygotes.

Submissions (4):

Ambry Genetics
Classification: Uncertain significance for Hereditary cancer-predisposing syndrome. Last evaluated: 2025-10-13. Review status: criteria provided, single submitter. Criteria: Ambry Variant Classification Scheme 2023. Collection method: clinical testing. Allele origin: germline.
Comment: The p.S153G variant (also known as c.457A>G), located in coding exon 3 of the FLCN gene, results from an A to G substitution at nucleotide position 457. The serine at codon 153 is replaced by glycine, an amino acid with similar properties. This amino acid position is conserved. In addition, this alteration is predicted to be deleterious by in silico analysis. Since supporting evidence is limited at this time, the clinical significance of this alteration remains unclear.

Center for Genomic Medicine, Rigshospitalet, Copenhagen University Hospital
Classification: Uncertain significance. Last evaluated: 2025-03-04. Review status: criteria provided, single submitter. Criteria: ACMG Guidelines, 2015. Collection method: clinical testing. Allele origin: germline.

Labcorp Genetics (formerly Invitae), Labcorp
Classification: Uncertain significance for Birt-Hogg-Dube syndrome. Last evaluated: 2024-09-26. Review status: criteria provided, single submitter. Criteria: Invitae Variant Classification Sherloc (09022015). Collection method: clinical testing. Allele origin: germline.
Comment: This sequence change replaces serine, which is neutral and polar, with glycine, which is neutral and non-polar, at codon 153 of the FLCN protein (p.Ser153Gly). This variant is not present in population databases (gnomAD no frequency). This variant has not been reported in the literature in individuals affected with FLCN-related conditions. ClinVar contains an entry for this variant (Variation ID: 1345989). Invitae Evidence Modeling of protein sequence and biophysical properties (such as structural, functional, and spatial information, amino acid conservation, physicochemical variation, residue mobility, and thermodynamic stability) indicates that this missense variant is expected to disrupt FLCN protein function with a positive predictive value of 80%. In summary, the available evidence is currently insufficient to determine the role of this variant in disease. Therefore, it has been classified as a Variant of Uncertain Significance.

GeneDx
Classification: Uncertain significance. Last evaluated: 2024-03-20. Review status: criteria provided, single submitter. Criteria: GeneDx Variant Classification Process June 2021. Collection method: clinical testing. Allele origin: germline. Affected: yes.
Comment: Not observed at significant frequency in large population cohorts (gnomAD); In silico analysis supports that this missense variant has a deleterious effect on protein structure/function; Has not been previously published as pathogenic or benign to our knowledge